The following is an entry in ClinVar:

ClinVar aggregate classification (germline): Likely benign (1 of 4 stars; one submission).

Allele frequency attached by ClinVar (database versions not stated): 1000 Genomes Project 0.00180; 1000 Genomes Project 30x 0.00234; TOPMed 0.00563; gnomAD 0.00599; ExAC 0.00601; ESP Exome Variant Server 0.00665.
gnomAD v4.1: 11,954 of 1,613,804 alleles (0.74%); highest among the groups gnomAD compares: Middle Eastern, 1.2%; 67 homozygotes.

Submission:

CeGaT Center for Human Genetics Tuebingen
Classification: Likely benign. Last evaluated: 2023-01-01. Review status: criteria provided, single submitter. Criteria: CeGaT Center For Human Genetics Tuebingen Variant Classification Criteria Version 2. Collection method: clinical testing. Allele origin: germline. Affected: yes. Observed: 2 variant alleles.
Comment: ZNF518A: BP4, BS2

NM_001330736.2(ZNF518A):c.1228G>A (p.Ala410Thr)

Gene: ZNF518A (zinc finger protein 518A; plus strand). Cytogenetic location: 10q24.1.
Variant type: single nucleotide variant.
Coding change: c.1228G>A on transcript NM_001330736.2 (MANE Select); coding-DNA position 1228, G replaced by A.
Protein change: p.Ala410Thr; replaces alanine 410 with threonine.
Molecular consequence: missense variant. On other transcripts: intron variant (1).
Genome position (GRCh38, 1-based): chr10:96,157,550, G>A. VCF-style: chr10-96157550-G-A. GRCh37 (hg19) VCF-style: chr10-97917307-G-A.
Other names: c.1228G>A, p.Ala410Thr (NM_001330738.1, NM_014803.4, NM_001278524.2 and 6 more transcripts); c.-23-340G>A (NM_001278526.2); short protein forms A410T.
Identifiers: ClinVar variation 2640724 (VCV002640724.24), dbSNP rs61731065, ClinGen allele CA5622565.
Genomic context (GRCh38, chr10:96,157,550, plus strand): 5'-TCAGAGAAGCCAACTCCTCTGTCCACTGGGCAAGGTAATAGAGCTGAAGAGGGACCAAAC[G>A]CTAGTTCAGGTTTCATGAAGACTGCTGTACTAGGACCTACACTGAAAAATGTAATGATGA-3'
Protein context (NP_001317665.1, residues 400-420): QGNRAEEGPN[Ala410Thr]SSGFMKTAVL